The following is an entry in ClinVar:

ClinVar aggregate classification (germline): Uncertain significance (1 of 4 stars; one submission).

Conditions:
Congenital muscular dystrophy due to integrin alpha-7 deficiency. Also called: MYOPATHY, CONGENITAL, DUE TO INTEGRIN ALPHA-7 DEFICIENCY; Congenital muscular dystrophy with integrin alpha-7 deficiency; Muscular dystrophy, congenital, due to ITGA7 deficiency. Identifiers: Orphanet 34520, MedGen C2750786, MONDO:0013177, OMIM 613204.

Submission:

Labcorp Genetics (formerly Invitae), Labcorp
Classification: Uncertain significance for Congenital muscular dystrophy due to integrin alpha-7 deficiency. Last evaluated: 2021-08-26. Review status: criteria provided, single submitter. Criteria: Invitae Variant Classification Sherloc (09022015). Collection method: clinical testing. Allele origin: germline.
Comment: This sequence change replaces leucine with phenylalanine at codon 391 of the ITGA7 protein (p.Leu391Phe). The leucine residue is moderately conserved and there is a small physicochemical difference between leucine and phenylalanine. This variant is not present in population databases (ExAC no frequency). This variant has not been reported in the literature in individuals affected with ITGA7-related conditions. ClinVar contains an entry for this variant (Variation ID: 309793). Algorithms developed to predict the effect of missense changes on protein structure and function are either unavailable or do not agree on the potential impact of this missense change (SIFT: "Deleterious"; PolyPhen-2: "Benign"; Align-GVGD: "Class C0"). In summary, the available evidence is currently insufficient to determine the role of this variant in disease. Therefore, it has been classified as a Variant of Uncertain Significance.

NM_002206.3(ITGA7):c.1171C>T (p.Leu391Phe)

Gene: ITGA7 (integrin subunit alpha 7; minus strand). Cytogenetic location: 12q13.2.
Variant type: single nucleotide variant.
Coding change: c.1171C>T on transcript NM_002206.3 (MANE Select); coding-DNA position 1171, C replaced by T.
Protein change: p.Leu391Phe; replaces leucine 391 with phenylalanine.
Molecular consequence: missense variant. On other transcripts: 5 prime UTR variant (1).
Genome position (GRCh38, 1-based): chr12:55,698,404, G>A on the plus strand (C>T on the coding strand, the complement: ITGA7 is on the minus strand). VCF-style: chr12-55698404-G-A. GRCh37 (hg19) VCF-style: chr12-56092188-G-A.
Other names: c.1183C>T, p.Leu395Phe (NM_001144996.2, NM_001414029.1); c.892C>T, p.Leu298Phe (NM_001144997.2); c.844C>T, p.Leu282Phe (NM_001367993.1); c.-122C>T (NM_001367994.1); c.1171C>T, p.Leu391Phe (NM_001374465.1, NM_001414034.1); c.1303C>T, p.Leu435Phe (NM_001410977.1); c.1096C>T, p.Leu366Phe (NM_001414030.1); c.1084C>T, p.Leu362Phe (NM_001414031.1); and 3 more; short protein forms L298F, L391F, L395F, L282F, L435F, L278F, L330F, L362F.
Identifiers: ClinVar variation 309793 (VCV000309793.7), dbSNP rs886049667, ClinGen allele CA10642870.
Genomic context (GRCh38, chr12:55,698,404, plus strand): 5'-GCCCCTCCCTCCCTGAGCCTTTCCAGTTCCCCGTCACACCTGGAAAGCCATCTTGGTTGA[G>A]GTCCCCCAGGACAGCCAGGCTGATCCCGAACATGGAGTCAGGGGAGCCGCAGAGCCGGAG-3'
Protein context (NP_002197.2, residues 381-401): FGISLAVLGD[Leu391Phe]NQDGFPDIAV